The following is an entry in ClinVar:

ClinVar aggregate classification (germline): Uncertain significance (1 of 4 stars; one submission).

Conditions:
Neutral lipid storage myopathy (NLSDM). Also called: NEUTRAL LIPID STORAGE DISEASE WITHOUT ICHTHYOSIS. Identifiers: Orphanet 98908, MedGen C1853136, MONDO:0012545, OMIM 610717.

Allele frequency attached by ClinVar (database versions not stated): ExAC 0.00001.

Submission:

Labcorp Genetics (formerly Invitae), Labcorp
Classification: Uncertain significance for Neutral lipid storage myopathy. Last evaluated: 2025-02-19. Review status: criteria provided, single submitter. Criteria: Invitae Variant Classification Sherloc (09022015). Collection method: clinical testing. Allele origin: germline.
Comment: This sequence change replaces proline, which is neutral and non-polar, with serine, which is neutral and polar, at codon 455 of the PNPLA2 protein (p.Pro455Ser). The frequency data for this variant in the population databases is considered unreliable, as metrics indicate poor data quality at this position in the gnomAD database. This variant has not been reported in the literature in individuals affected with PNPLA2-related conditions. ClinVar contains an entry for this variant (Variation ID: 1360882). An algorithm developed to predict the effect of missense changes on protein structure and function (PolyPhen-2) suggests that this variant is likely to be disruptive. In summary, the available evidence is currently insufficient to determine the role of this variant in disease. Therefore, it has been classified as a Variant of Uncertain Significance.

NM_020376.4(PNPLA2):c.1363C>T (p.Pro455Ser)

Gene: PNPLA2 (patatin like domain 2, triacylglycerol lipase; plus strand). Cytogenetic location: 11p15.5.
Variant type: single nucleotide variant.
Coding change: c.1363C>T on transcript NM_020376.4 (MANE Select); coding-DNA position 1363, C replaced by T.
Protein change: p.Pro455Ser; replaces proline 455 with serine.
Molecular consequence: missense variant.
Genome position (GRCh38, 1-based): chr11:824,710, C>T. VCF-style: chr11-824710-C-T. GRCh37 (hg19) VCF-style: chr11-824710-C-T.
Other names: short protein forms P455S.
Identifiers: ClinVar variation 1360882 (VCV001360882.8), dbSNP rs759964635, ClinGen allele CA5791385.
Genomic context (GRCh38, chr11:824,710, plus strand): 5'-AAGTGGGAGGAGTGCCAGCGCCAGCTGCTGCTCGGCCTCTTCTGCACCAACGTGGCCTTC[C>T]CGCCCGAAGCTCTGCGCATGCGCGCACCCGCCGACCCGGCTCCCGCCCCCGCGGACCCAG-3'
Protein context (NP_065109.1, residues 445-465): LGLFCTNVAF[Pro455Ser]PEALRMRAPA